The following is an entry in ClinVar:

ClinVar aggregate classification (germline): Uncertain significance. Review status: criteria provided, multiple submitters, no conflicts (2 of 4 stars). 4 submissions from 4 submitters: Uncertain significance (3). 1 of the submissions does not count toward it. Last evaluated 2025-12-15.

Conditions:
SUCO-related disorder. Also called: SUCO-related condition.

Allele frequency attached by ClinVar (database versions not stated): gnomAD exomes 0.00096; ESP Exome Variant Server 0.00138; 1000 Genomes Project 0.00040; TOPMed 0.00126; 1000 Genomes Project 30x 0.00078; gnomAD 0.00104; ExAC 0.00094.
gnomAD v4.1: 2,720 of 1,613,256 alleles (0.17%); highest among the groups gnomAD compares: Non-Finnish European, 0.22%; 1 homozygote.

Submissions (4):

Labcorp Genetics (formerly Invitae), Labcorp
Classification: Uncertain significance. Last evaluated: 2025-12-15. Review status: criteria provided, single submitter. Criteria: Invitae Variant Classification Sherloc (09022015). Collection method: clinical testing. Allele origin: germline.
Comment: This sequence change replaces glutamic acid, which is acidic and polar, with lysine, which is basic and polar, at codon 225 of the SUCO protein (p.Glu225Lys). This variant is present in population databases (rs41263742, gnomAD 0.2%), and has an allele count higher than expected for a pathogenic variant. This variant has not been reported in the literature in individuals affected with SUCO-related conditions. ClinVar contains an entry for this variant (Variation ID: 1404543). An algorithm developed to predict the effect of missense changes on protein structure and function outputs the following: PolyPhen-2: "Benign". The lysine amino acid residue is found in multiple mammalian species, which suggests that this missense change does not adversely affect protein function. In summary, the available evidence is currently insufficient to determine the role of this variant in disease. Therefore, it has been classified as a Variant of Uncertain Significance.

Ambry Genetics
Classification: Uncertain significance. Last evaluated: 2025-09-08. Review status: criteria provided, single submitter. Criteria: Ambry Variant Classification Scheme 2023. Collection method: clinical testing. Allele origin: germline.

Breakthrough Genomics
Classification: Uncertain significance. Review status: criteria provided, single submitter. Criteria: ACMG Guidelines, 2015. Collection method: not provided. Allele origin: germline. Inheritance: Unknown mechanism. Affected: yes.

PreventionGenetics, part of Exact Sciences
Classification: Likely benign for SUCO-related condition. Last evaluated: 2024-01-16. Review status: no assertion criteria provided. Collection method: clinical testing. Allele origin: germline. Not counted in ClinVar's aggregate classification.
Comment: This variant is classified as likely benign based on ACMG/AMP sequence variant interpretation guidelines (Richards et al. 2015 PMID: 25741868, with internal and published modifications).

NM_014283.5(SUCO):c.673G>A (p.Glu225Lys)

Gene: SUCO (SUN domain containing ossification factor; plus strand). Cytogenetic location: 1q24.3.
Variant type: single nucleotide variant.
Coding change: c.673G>A on transcript NM_014283.5 (MANE Select); coding-DNA position 673, G replaced by A.
Protein change: p.Glu225Lys; replaces glutamic acid 225 with lysine.
Molecular consequence: missense variant. On other transcripts: 5 prime UTR variant (1).
Genome position (GRCh38, 1-based): chr1:172,557,735, G>A. VCF-style: chr1-172557735-G-A. GRCh37 (hg19) VCF-style: chr1-172526875-G-A.
Other names: c.673G>A (NM_014283.3); c.562G>A, p.Glu188Lys (NM_001282750.2); c.-857G>A (NM_001282751.2); c.1147G>A, p.Glu383Lys (NM_016227.4); c.1147G>A (NM_016227.3); short protein forms E188K, E225K, E383K.
Identifiers: ClinVar variation 1404543 (VCV001404543.10), dbSNP rs41263742, ClinGen allele CA1246609.